The following is an entry in ClinVar:

ClinVar aggregate classification (germline): Uncertain significance. Review status: criteria provided, multiple submitters, no conflicts (2 of 4 stars). 2 submissions from 2 submitters: Uncertain significance (2). Last evaluated 2024-10-01.

Conditions:
Inborn genetic diseases. Identifiers: MedGen C0950123, MeSH D030342.

gnomAD v4.1: 64 of 1,601,476 alleles (0.004%); highest among the groups gnomAD compares: Non-Finnish European, 0.0047%; no homozygotes.

Submissions (2):

CeGaT Center for Human Genetics Tuebingen
Classification: Uncertain significance. Last evaluated: 2024-10-01. Review status: criteria provided, single submitter. Criteria: CeGaT Center For Human Genetics Tuebingen Variant Classification Criteria Version 2. Collection method: clinical testing. Allele origin: germline. Affected: yes. Observed: 1 variant allele.
Comment: DNAH17: PM2, PM3

Ambry Genetics
Classification: Uncertain significance for Inborn genetic diseases. Last evaluated: 2024-09-30. Review status: criteria provided, single submitter. Criteria: Ambry Variant Classification Scheme 2023. Collection method: clinical testing. Allele origin: germline.

NM_173628.4(DNAH17):c.12907C>T (p.Arg4303Cys)

Gene: DNAH17 (dynein axonemal heavy chain 17; minus strand). Cytogenetic location: 17q25.3.
Variant type: single nucleotide variant.
Coding change: c.12907C>T on transcript NM_173628.4 (MANE Select); coding-DNA position 12907, C replaced by T.
Protein change: p.Arg4303Cys; replaces arginine 4303 with cysteine.
Molecular consequence: missense variant.
Genome position (GRCh38, 1-based): chr17:78,426,465, G>A on the plus strand (C>T on the coding strand, the complement: DNAH17 is on the minus strand). VCF-style: chr17-78426465-G-A. GRCh37 (hg19) VCF-style: chr17-76422546-G-A.
Other names: c.12907C>T (NM_173628.3); short protein forms R4303C.
Identifiers: ClinVar variation 3389225 (VCV003389225.15).